The following is an entry in ClinVar:

ClinVar aggregate classification (germline): Uncertain significance (1 of 4 stars; one submission).

Conditions:
SH2B1-related disorder. Also called: SH2B1-related condition.

Submission:

PreventionGenetics, part of Exact Sciences
Classification: Uncertain significance for SH2B1-related condition. Last evaluated: 2024-12-06. Review status: criteria provided, single submitter. Criteria: ACMG Guidelines, 2015. Collection method: clinical testing. Allele origin: germline.
Comment: The SH2B1 c.910_912delAGT variant is predicted to result in an in-frame deletion (p.Ser304del). To our knowledge, this variant has not been reported in the literature. This variant is reported in 0.0032% of alleles in individuals of European (Non-Finnish) descent in gnomAD. At this time, the clinical significance of this variant is uncertain due to the absence of conclusive functional and genetic evidence.

NM_001387430.1(SH2B1):c.910_912del (p.Ser304del)

Gene: SH2B1 (SH2B adaptor protein 1; plus strand). Cytogenetic location: 16p11.2.
Variant type: Deletion.
Coding change: c.910_912del on transcript NM_001387430.1 (MANE Select); coding-DNA positions 910 to 912, 3 bases deleted (AGT; older notation c.910_912delAGT).
Protein change: p.Ser304del; deletes serine 304.
Molecular consequence: inframe deletion. On other transcripts: intron variant (1).
Genome position (GRCh38, 1-based): chr16:28,867,004-28,867,006, AGT deleted. VCF-style (leftmost placement, unchanged base first): chr16-28867003-AAGT-A. GRCh37 (hg19) VCF-style: chr16-28878324-AAGT-A.
Other names: c.910_912del, p.Ser304del (NM_001145795.2, NM_001145796.2, NM_001145797.2 and 4 more transcripts); c.-26-370_-26-368del (NM_001308294.2); short protein forms S304del.
Identifiers: ClinVar variation 4978848 (VCV004978848.1).